The following is an entry in ClinVar:

ClinVar aggregate classification (germline): Likely benign. Review status: criteria provided, multiple submitters, no conflicts (2 of 4 stars). 3 submissions from 3 submitters: Likely benign (3). Last evaluated 2025-12-05.

Conditions:
Neurofibromatosis, type 2 (SWNV). Also called: SCHWANNOMATOSIS, VESTIBULAR; NF2-Related Schwannomatosis; BILATERAL ACOUSTIC NEUROFIBROMATOSIS. Identifiers: Orphanet 637, MedGen C0027832, MONDO:0007039, OMIM 101000. Disease mechanism: loss of function.

Allele frequency attached by ClinVar (database versions not stated): gnomAD 0.00001 and 0.00003; gnomAD exomes 0.00001 and 0.00002; ExAC 0.00002; TOPMed 0.00003; ESP Exome Variant Server 0.00008.
gnomAD v4.1: 24 of 1,613,322 alleles (0.0015%); highest among the groups gnomAD compares: Middle Eastern, 0.017%; no homozygotes.

Submissions (3):

Labcorp Genetics (formerly Invitae), Labcorp
Classification: Likely benign for Neurofibromatosis, type 2. Last evaluated: 2025-12-05. Review status: criteria provided, single submitter. Criteria: Invitae Variant Classification Sherloc (09022015). Collection method: clinical testing. Allele origin: germline.

Blueprint Genetics
Classification: Likely benign. Last evaluated: 2024-10-17. Review status: criteria provided, single submitter. Criteria: ACMG Guidelines, 2015. Collection method: clinical testing. Allele origin: germline.

All of Us Research Program, National Institutes of Health
Classification: Likely benign for Neurofibromatosis, type 2. Last evaluated: 2024-02-05. Review status: criteria provided, single submitter. Criteria: ACMG Guidelines, 2015. Collection method: clinical testing. Allele origin: germline. Inheritance: Autosomal dominant inheritance. Observed: 6 variant alleles, 6 heterozygotes.
Comment: This study involves interpretation of variants in research participants for the purpose of population health screening. Participant phenotype was not available at the time of variant classification. Additional details can be found in publication PMID: 35346344, PMCID: PMC8962531

NM_000268.4(NF2):c.600-14C>T

Gene: NF2 (NF2, moesin-ezrin-radixin like (MERLIN) tumor suppressor; plus strand). Cytogenetic location: 22q12.2.
Variant type: single nucleotide variant.
Coding change: c.600-14C>T on transcript NM_000268.4 (MANE Select); 14 bases into the intron before coding-DNA position 600, C replaced by T.
Molecular consequence: intron variant.
Genome position (GRCh38, 1-based): chr22:29,658,175, C>T. VCF-style: chr22-29658175-C-T. GRCh37 (hg19) VCF-style: chr22-30054164-C-T.
Other names: c.600-14C>T (NM_016418.5, NM_181832.3, NM_181825.3); c.447+15890C>T (NM_181833.3); c.477-14C>T (NM_181829.3); c.474-14C>T (NM_181828.3); c.351-14C>T (NM_181830.3, NM_181831.3).
Identifiers: ClinVar variation 1563360 (VCV001563360.10), dbSNP rs376980938, ClinGen allele CA034316.
Genomic context (GRCh38, chr22:29,658,175, plus strand): 5'-CTTGATTTGGTGCCCACCCGCTCTCCACCCATCTCACTTAGCTCCAATGACAGTGTCTTC[C>T]GTTCTCCCCACAGGGATGAAGCTGAAATGGAATATCTGAAGATAGCTCAGGACCTGGAGA-3'